The following is an entry in ClinVar:

ClinVar aggregate classification (germline): Likely benign (0 of 4 stars; one submission).

Conditions:
ALDOA-related disorder. Also called: ALDOA-related condition.

Allele frequency attached by ClinVar (database versions not stated): gnomAD exomes 0.00005; TOPMed 0.00006; gnomAD 0.00008; 1000 Genomes Project 30x 0.00031.
gnomAD v4.1: 78 of 1,550,860 alleles (0.005%); highest among the groups gnomAD compares: Non-Finnish European, 0.0063%; no homozygotes.

Submission:

PreventionGenetics, part of Exact Sciences
Classification: Likely benign for ALDOA-related condition. Last evaluated: 2019-09-17. Review status: no assertion criteria provided. Collection method: clinical testing. Allele origin: germline.
Comment: This variant is classified as likely benign based on ACMG/AMP sequence variant interpretation guidelines (Richards et al. 2015 PMID: 25741868, with internal and published modifications).

NM_001243177.4(ALDOA):c.30C>T (p.Ser10=)

Genes: ALDOA (aldolase, fructose-bisphosphate A; plus strand), LOC112694756 (uncharaterized LOC112694756; plus strand). Cytogenetic location: 16p11.2.
Variant type: single nucleotide variant.
Coding change: c.30C>T on transcript NM_001243177.4 (MANE Select); coding-DNA position 30, C replaced by T.
Protein change: p.Ser10=; no amino-acid change (serine 10 retained).
Molecular consequence: synonymous variant. On other transcripts: intron variant (6).
Genome position (GRCh38, 1-based): chr16:30,066,927, C>T. VCF-style: chr16-30066927-C-T. GRCh37 (hg19) VCF-style: chr16-30078248-C-T.
Other names: c.*489-307C>T (NM_001365307.2, NM_001365305.2, NM_001365304.2); c.-21-307C>T (NM_184043.2, NM_001127617.2, NM_184041.5).
Identifiers: ClinVar variation 3040743 (VCV003040743.2), dbSNP rs780378047, ClinGen allele CA8000799.